The following is an entry in ClinVar:

NM_138295.5(PKD1L1):c.766C>T (p.Arg256Cys)

Gene: PKD1L1 (polycystin 1 like 1, transient receptor potential channel interacting; minus strand). Cytogenetic location: 7p12.3.
Variant type: single nucleotide variant.
Coding change: c.766C>T on transcript NM_138295.5 (MANE Select); coding-DNA position 766, C replaced by T.
Protein change: p.Arg256Cys; replaces arginine 256 with cysteine.
Molecular consequence: missense variant.
Genome position (GRCh38, 1-based): chr7:47,929,498, G>A on the plus strand (C>T on the coding strand, the complement: PKD1L1 is on the minus strand). VCF-style: chr7-47929498-G-A. GRCh37 (hg19) VCF-style: chr7-47969095-G-A.
Other names: c.766C>T (NM_138295.3); short protein forms R256C.
Identifiers: ClinVar variation 2913719 (VCV002913719.5), dbSNP rs147089153, ClinGen allele CA4254232.

ClinVar aggregate classification (germline): Benign. Review status: criteria provided, single submitter (1 of 4 stars). 2 submissions from 2 submitters: Benign (1). 1 of the submissions does not count toward it. Last evaluated 2025-12-17.

Conditions:
PKD1L1-related disorder. Also called: PKD1L1-related condition.

Allele frequency attached by ClinVar (database versions not stated): gnomAD exomes 0.00020; ESP Exome Variant Server 0.00023; TOPMed 0.00025; 1000 Genomes Project 30x 0.00031; gnomAD 0.00022; ExAC 0.00035; 1000 Genomes Project 0.00040.
gnomAD v4.1: 342 of 1,613,852 alleles (0.021%); highest among the groups gnomAD compares: Middle Eastern, 0.033%; 2 homozygotes.

Submissions (2):

Labcorp Genetics (formerly Invitae), Labcorp
Classification: Benign. Last evaluated: 2025-12-17. Review status: criteria provided, single submitter. Criteria: Invitae Variant Classification Sherloc (09022015). Collection method: clinical testing. Allele origin: germline.

PreventionGenetics, part of Exact Sciences
Classification: Likely benign for PKD1L1-related condition. Last evaluated: 2020-09-25. Review status: no assertion criteria provided. Collection method: clinical testing. Allele origin: germline. Not counted in ClinVar's aggregate classification.
Comment: This variant is classified as likely benign based on ACMG/AMP sequence variant interpretation guidelines (Richards et al. 2015 PMID: 25741868, with internal and published modifications).